The following is an entry in ClinVar:

NM_021076.4(NEFH):c.511C>T (p.Gln171Ter)

Gene: NEFH (neurofilament heavy chain; plus strand). Cytogenetic location: 22q12.2.
Variant type: single nucleotide variant.
Coding change: c.511C>T on transcript NM_021076.4 (MANE Select); coding-DNA position 511, C replaced by T.
Protein change: p.Gln171Ter; replaces glutamine 171 with a stop codon.
Molecular consequence: nonsense.
Genome position (GRCh38, 1-based): chr22:29,480,773, C>T. VCF-style: chr22-29480773-C-T. GRCh37 (hg19) VCF-style: chr22-29876762-C-T.
Other names: short protein forms Q171*.
Identifiers: ClinVar variation 2062510 (VCV002062510.4), dbSNP rs1232971155, ClinGen allele CA411123005.

ClinVar aggregate classification (germline): Uncertain significance (1 of 4 stars; one submission).

Allele frequency attached by ClinVar (database versions not stated): TOPMed below 0.00001.

Submission:

Labcorp Genetics (formerly Invitae), Labcorp
Classification: Uncertain significance. Last evaluated: 2021-12-27. Review status: criteria provided, single submitter. Criteria: Invitae Variant Classification Sherloc (09022015). Collection method: clinical testing. Allele origin: germline.
Comment: In summary, the available evidence is currently insufficient to determine the role of this variant in disease. Therefore, it has been classified as a Variant of Uncertain Significance. This variant has not been reported in the literature in individuals affected with NEFH-related conditions. This variant is not present in population databases (gnomAD no frequency). This sequence change creates a premature translational stop signal (p.Gln171*) in the NEFH gene. It is expected to result in an absent or disrupted protein product. However, the current clinical and genetic evidence is not sufficient to establish whether loss-of-function variants in NEFH cause disease.